The following is an entry in ClinVar:

ClinVar aggregate classification (germline): Uncertain significance (1 of 4 stars; one submission).

Conditions:
Hereditary cancer-predisposing syndrome. Also called: Neoplastic Syndromes, Hereditary; Tumor predisposition; Hereditary neoplastic syndrome; Hereditary Cancer Syndrome. Identifiers: Orphanet 140162, MedGen C0027672, MeSH D009386, MONDO:0015356.

Submission:

Ambry Genetics
Classification: Uncertain significance for Hereditary cancer-predisposing syndrome. Last evaluated: 2024-02-22. Review status: criteria provided, single submitter. Criteria: Ambry Variant Classification Scheme 2023. Collection method: clinical testing. Allele origin: germline.
Comment: The p.S269Y variant (also known as c.806C>A), located in coding exon 4 of the BARD1 gene, results from a C to A substitution at nucleotide position 806. The serine at codon 269 is replaced by tyrosine, an amino acid with dissimilar properties. This amino acid position is conserved. In addition, this alteration is predicted to be tolerated by in silico analysis. Based on the available evidence, the clinical significance of this alteration remains unclear.

NM_000465.4(BARD1):c.806C>A (p.Ser269Tyr)

Gene: BARD1 (BRCA1 associated RING domain 1; minus strand). Cytogenetic location: 2q35.
Variant type: single nucleotide variant.
Coding change: c.806C>A on transcript NM_000465.4 (MANE Select); coding-DNA position 806, C replaced by A.
Protein change: p.Ser269Tyr; replaces serine 269 with tyrosine.
Molecular consequence: missense variant. On other transcripts: non-coding transcript variant (2), intron variant (3).
Genome position (GRCh38, 1-based): chr2:214,781,068, G>T on the plus strand (C>A on the coding strand, the complement: BARD1 is on the minus strand). VCF-style: chr2-214781068-G-T. GRCh37 (hg19) VCF-style: chr2-215645792-G-T.
Other names: c.749C>A, p.Ser250Tyr (NM_001282543.2); c.158+28344C>A (NM_001282548.2); c.215+15993C>A (NM_001282545.2); c.364+11229C>A (NM_001282549.2); short protein forms S250Y, S269Y.
Identifiers: ClinVar variation 3231808 (VCV003231808.1), dbSNP rs2469508020, ClinGen allele CA350455580.